The following is an entry in ClinVar:

ClinVar aggregate classification (germline): Uncertain significance. Review status: criteria provided, multiple submitters, no conflicts (2 of 4 stars). 4 submissions from 2 submitters: Uncertain significance (4). Last evaluated 2022-09-24.

Conditions:
Age related macular degeneration 5. Identifiers: MedGen C3151063, MONDO:0013409, OMIM 613761.
Cerebrooculofacioskeletal syndrome 1 (COFS1). Also called: Cerebro-oculo-facio-skeletal syndrome 1. Identifiers: MedGen C0220722, MONDO:0008955, OMIM 214150.
Cockayne syndrome type 2 (CSB). Also called: COCKAYNE SYNDROME B; Cockayne Syndrome, Type II. Identifiers: Orphanet 191, Orphanet 90322, MedGen C0751038, MONDO:0019570, OMIM 133540.

Allele frequency attached by ClinVar (database versions not stated): ExAC 0.00001; gnomAD exomes 0.00001 and 0.00002; TOPMed 0.00002; gnomAD 0.00003.
gnomAD v4.1: 26 of 1,614,018 alleles (0.0016%); highest among the groups gnomAD compares: East Asian, 0.0045%; no homozygotes.

Submissions (4):

Labcorp Genetics (formerly Invitae), Labcorp
Classification: Uncertain significance. Last evaluated: 2022-09-24. Review status: criteria provided, single submitter. Criteria: Invitae Variant Classification Sherloc (09022015). Collection method: clinical testing. Allele origin: germline.
Comment: This sequence change replaces alanine, which is neutral and non-polar, with threonine, which is neutral and polar, at codon 1436 of the ERCC6 protein (p.Ala1436Thr). This variant is present in population databases (rs747941045, gnomAD 0.01%). This variant has not been reported in the literature in individuals affected with ERCC6-related conditions. ClinVar contains an entry for this variant (Variation ID: 878899). Algorithms developed to predict the effect of missense changes on protein structure and function (SIFT, PolyPhen-2, Align-GVGD) all suggest that this variant is likely to be disruptive. In summary, the available evidence is currently insufficient to determine the role of this variant in disease. Therefore, it has been classified as a Variant of Uncertain Significance.

Illumina Laboratory Services, Illumina
Classification: Uncertain significance for Cockayne syndrome type 2. Last evaluated: 2018-01-17. Review status: criteria provided, single submitter. Criteria: ICSL Variant Classification Criteria 13 December 2019. Collection method: clinical testing. Allele origin: germline.

Illumina Laboratory Services, Illumina
Classification: Uncertain significance for Age related macular degeneration 5. Last evaluated: 2018-01-17. Review status: criteria provided, single submitter. Criteria: ICSL Variant Classification Criteria 13 December 2019. Collection method: clinical testing. Allele origin: germline.

Illumina Laboratory Services, Illumina
Classification: Uncertain significance for Cerebrooculofacioskeletal syndrome 1. Last evaluated: 2018-01-17. Review status: criteria provided, single submitter. Criteria: ICSL Variant Classification Criteria 13 December 2019. Collection method: clinical testing. Allele origin: germline.

NM_000124.4(ERCC6):c.4306G>A (p.Ala1436Thr)

Gene: ERCC6 (ERCC excision repair 6, chromatin remodeling factor; minus strand). Cytogenetic location: 10q11.23.
Variant type: single nucleotide variant.
Coding change: c.4306G>A on transcript NM_000124.4 (MANE Select); coding-DNA position 4306, G replaced by A.
Protein change: p.Ala1436Thr; replaces alanine 1436 with threonine.
Molecular consequence: missense variant.
Genome position (GRCh38, 1-based): chr10:49,458,991, C>T on the plus strand (G>A on the coding strand, the complement: ERCC6 is on the minus strand). VCF-style: chr10-49458991-C-T. GRCh37 (hg19) VCF-style: chr10-50667037-C-T.
Other names: c.4306G>A, p.Ala1436Thr (NM_001346440.2); short protein forms A1436T.
Identifiers: ClinVar variation 878899 (VCV000878899.5), dbSNP rs747941045, ClinGen allele CA5495134.